The following is an entry in ClinVar:

NM_000044.6(AR):c.2548C>G (p.Pro850Ala)

Gene: AR (androgen receptor; plus strand). Cytogenetic location: Xq12.
Variant type: single nucleotide variant.
Coding change: c.2548C>G on transcript NM_000044.6 (MANE Select); coding-DNA position 2548, C replaced by G.
Protein change: p.Pro850Ala; replaces proline 850 with alanine.
Molecular consequence: missense variant.
Genome position (GRCh38, 1-based): chrX:67,722,925, C>G. VCF-style: chrX-67722925-C-G. GRCh37 (hg19) VCF-style: chrX-66942767-C-G.
Other names: c.952C>G, p.Pro318Ala (NM_001011645.3); short protein forms P318A, P850A.
Identifiers: ClinVar variation 4792794 (VCV004792794.1).

ClinVar aggregate classification (germline): Uncertain significance (1 of 4 stars; one submission).

Conditions:
Androgen resistance syndrome (AIS). Also called: ANDROGEN RECEPTOR DEFICIENCY; DIHYDROTESTOSTERONE RECEPTOR DEFICIENCY; TESTICULAR FEMINIZATION SYNDROME; DHTR DEFICIENCY; Androgen insensitivity syndrome; Androgen insensitivity. Identifiers: Orphanet 754, Orphanet 99429, MedGen C0039585, MONDO:0019154, OMIM 300068. Disease mechanism: loss of function.
Kennedy disease (SMAX1). Also called: SPINAL AND BULBAR MUSCULAR ATROPHY, X-LINKED 1; KENNEDY SPINAL AND BULBAR MUSCULAR ATROPHY; Spinal and Bulbar Muscular Atrophy. Identifiers: Orphanet 481, MedGen C1839259, MONDO:0010735, OMIM 313200.

Submission:

Labcorp Genetics (formerly Invitae), Labcorp
Classification: Uncertain significance for Kennedy disease; Androgen resistance syndrome. Last evaluated: 2026-01-02. Review status: criteria provided, single submitter. Criteria: Invitae Variant Classification Sherloc (09022015). Collection method: clinical testing. Allele origin: germline.
Comment: This sequence change replaces proline, which is neutral and non-polar, with alanine, which is neutral and non-polar, at codon 850 of the AR protein (p.Pro850Ala). This variant is not present in population databases (gnomAD no frequency). This variant has not been reported in the literature in individuals affected with AR-related conditions. Invitae Evidence Modeling of protein sequence and biophysical properties (such as structural, functional, and spatial information, amino acid conservation, physicochemical variation, residue mobility, and thermodynamic stability) has been performed for this missense variant. However, the output from this modeling did not meet the statistical confidence thresholds required to predict the impact of this variant on AR protein function. In summary, the available evidence is currently insufficient to determine the role of this variant in disease. Therefore, it has been classified as a Variant of Uncertain Significance.